The following is an entry in ClinVar:

NM_001286577.2(C2CD3):c.3049dup (p.Ala1017fs)

Gene: C2CD3 (C2 domain containing 3 centriole elongation regulator; minus strand). Cytogenetic location: 11q13.4.
Variant type: Duplication.
Coding change: c.3049dup on transcript NM_001286577.2 (MANE Select); coding-DNA position 3049, one base duplicated (G; older notation c.3049dupG).
Protein change: p.Ala1017fs; shifts the reading frame from alanine 1017.
Molecular consequence: frameshift variant.
Genome position (GRCh38, 1-based): chr11:74,095,339, C duplicated on the plus strand (G on the coding strand, the reverse complement: C2CD3 is on the minus strand). VCF-style (leftmost placement, unchanged base first): chr11-74095338-G-GC. GRCh37 (hg19) VCF-style: chr11-73806383-G-GC.
Other names: c.3049dup, p.Ala1017fs (NM_015531.6); short protein forms A1017fs.
Identifiers: ClinVar variation 2693230 (VCV002693230.3), dbSNP rs2496420567, ClinGen allele CA2697548802.

ClinVar aggregate classification (germline): Pathogenic (1 of 4 stars; one submission).

Submission:

Labcorp Genetics (formerly Invitae), Labcorp
Classification: Pathogenic. Last evaluated: 2023-11-18. Review status: criteria provided, single submitter. Criteria: Invitae Variant Classification Sherloc (09022015). Collection method: clinical testing. Allele origin: germline.
Comment: This sequence change creates a premature translational stop signal (p.Ala1017Glyfs*33) in the C2CD3 gene. It is expected to result in an absent or disrupted protein product. Loss-of-function variants in C2CD3 are known to be pathogenic (PMID: 24997988, 26477546). This variant is not present in population databases (gnomAD no frequency). This variant has not been reported in the literature in individuals affected with C2CD3-related conditions. For these reasons, this variant has been classified as Pathogenic.

Literature cited by the submitters: PubMed 24997988; PubMed 26477546.